The following is an entry in ClinVar:

NM_198578.4(LRRK2):c.1385G>A (p.Gly462Asp)

Gene: LRRK2 (leucine rich repeat kinase 2; plus strand). Cytogenetic location: 12q12.
Variant type: single nucleotide variant.
Coding change: c.1385G>A on transcript NM_198578.4 (MANE Select); coding-DNA position 1385, G replaced by A.
Protein change: p.Gly462Asp; replaces glycine 462 with aspartic acid.
Molecular consequence: missense variant.
Genome position (GRCh38, 1-based): chr12:40,257,344, G>A. VCF-style: chr12-40257344-G-A. GRCh37 (hg19) VCF-style: chr12-40651146-G-A.
Other names: short protein forms G462D.
Identifiers: ClinVar variation 3229515 (VCV003229515.1), dbSNP rs2499538188, ClinGen allele CA384410780.

ClinVar aggregate classification (germline): Uncertain significance (1 of 4 stars; one submission).

Conditions:
Inborn genetic diseases. Identifiers: MedGen C0950123, MeSH D030342.

Submission:

Ambry Genetics
Classification: Uncertain significance for Inborn genetic diseases. Last evaluated: 2024-01-20. Review status: criteria provided, single submitter. Criteria: Ambry Variant Classification Scheme 2023. Collection method: clinical testing. Allele origin: germline.
Comment: The p.G462D variant (also known as c.1385G>A), located in coding exon 12 of the LRRK2 gene, results from a G to A substitution at nucleotide position 1385. The glycine at codon 462 is replaced by aspartic acid, an amino acid with similar properties. This amino acid position is conserved. In addition, the in silico prediction for this alteration is inconclusive. Based on the available evidence, the clinical significance of this alteration remains unclear.